The following is an entry in ClinVar:

NM_004656.4(BAP1):c.455T>C (p.Leu152Pro)

Gene: BAP1 (BRCA1 associated deubiquitinase 1; minus strand). Cytogenetic location: 3p21.1.
Variant type: single nucleotide variant.
Coding change: c.455T>C on transcript NM_004656.4 (MANE Select); coding-DNA position 455, T replaced by C.
Protein change: p.Leu152Pro; replaces leucine 152 with proline.
Molecular consequence: missense variant.
Genome position (GRCh38, 1-based): chr3:52,407,299, A>G on the plus strand (T>C on the coding strand, the complement: BAP1 is on the minus strand). VCF-style: chr3-52407299-A-G. GRCh37 (hg19) VCF-style: chr3-52441315-A-G.
Other names: c.455T>C, p.Leu152Pro (NM_001410772.1); short protein forms L152P.
Identifiers: ClinVar variation 2574523 (VCV002574523.1), dbSNP rs2471350633, ClinGen allele CA353110351.
Genomic context (GRCh38, chr3:52,407,299, plus strand): 5'-CTGACAAAGTGGAACGCCTCCATGGTCCGCACTGCACTAAGGCCATTCTGCTTCTCAGGG[A>G]GGTGGCGTGGCTCGGGCCTGGGGAAAAACAGAGTCAGGGCCCAAAAAATGATACTCCCCC-3'
Protein context (NP_004647.1, residues 142-162): NSHARPEPRH[Leu152Pro]PEKQNGLSAV

ClinVar aggregate classification (germline): Uncertain significance (1 of 4 stars; one submission).

Submission:

GeneDx
Classification: Uncertain significance. Last evaluated: 2023-01-30. Review status: criteria provided, single submitter. Criteria: GeneDx Variant Classification Process June 2021. Collection method: clinical testing. Allele origin: germline. Affected: yes.
Comment: Not observed at significant frequency in large population cohorts (gnomAD); In silico analysis supports that this missense variant does not alter protein structure/function; Has not been previously published as pathogenic or benign to our knowledge.